The following is an entry in ClinVar:

NM_001165963.4(SCN1A):c.2877T>A (p.Cys959Ter)

Gene: SCN1A (sodium voltage-gated channel alpha subunit 1; minus strand). Cytogenetic location: 2q24.3.
Variant type: single nucleotide variant.
Coding change: c.2877T>A on transcript NM_001165963.4 (MANE Select); coding-DNA position 2877, T replaced by A.
Protein change: p.Cys959Ter; replaces cysteine 959 with a stop codon.
Molecular consequence: nonsense. On other transcripts: non-coding transcript variant (1).
Genome position (GRCh38, 1-based): chr2:166,037,845, A>T on the plus strand (T>A on the coding strand, the complement: SCN1A is on the minus strand). VCF-style: chr2-166037845-A-T. GRCh37 (hg19) VCF-style: chr2-166894355-A-T.
Other names: p.C959*:TGT>TGA; c.2793T>A, p.Cys931Ter (NM_001165964.3, NM_001353957.2, NM_001353958.2); c.2877T>A, p.Cys959Ter (NM_001202435.3, NM_001353948.2); c.2844T>A, p.Cys948Ter (NM_001353949.2, NM_001353950.2, NM_001353951.2 and 2 more transcripts); c.2841T>A, p.Cys947Ter (NM_001353954.2, NM_001353955.2); c.2790T>A, p.Cys930Ter (NM_001353960.2); c.435T>A, p.Cys145Ter (NM_001353961.2); short protein forms C948*, C959*, C930*, C931*, C947*, C145*.
Identifiers: ClinVar variation 206791 (VCV000206791.2), dbSNP rs775214722, ClinGen allele CA317327.
Genomic context (GRCh38, chr2:166,037,845, plus strand): 5'-TCCAATCACCATGACCATCATGAAGACAGTAAGGCACATGGCTTGACCAGCAACCTCCAT[A>T]CAGTCCCACATGGTCTCTATCCACTCCCCACACAGCACGCGGAACACAATCAGGAAGGAG-3'

ClinVar aggregate classification (germline): Pathogenic (1 of 4 stars; one submission).

Submission:

GeneDx
Classification: Pathogenic. Last evaluated: 2013-04-09. Review status: criteria provided, single submitter. Criteria: GeneDx Variant Classification (06012015). Collection method: clinical testing. Allele origin: germline. Affected: yes.
Comment: p.Cys959Stop (TGT>TGA): c.2877 T>A in exon 15 of the SCN1A gene (NM_001165963.1) The Cys959Stop nonsense mutation in the SCN1A gene is predicted to cause loss of normal protein function either through protein truncation or nonsense-mediated mRNA decay. Multiple other nonsense mutations have been published in patients with SCN1A-related disorders. The variant is found in EPILEPSY panel(s).